The following is an entry in ClinVar:

ClinVar aggregate classification (germline): Pathogenic (1 of 4 stars; one submission).

Conditions:
Sclerosteosis 2 (SOST2). Identifiers: Orphanet 3152, MedGen C3280402, MONDO:0013679, OMIM 614305.
Cenani-Lenz syndactyly syndrome. Also called: CENANI SYNDACTYLISM; SYNDACTYLY, TYPE VII. Identifiers: Orphanet 3258, MedGen C1859309, MONDO:0008931, OMIM 212780.
Congenital myasthenic syndrome 17. Identifiers: Orphanet 590, MedGen C4225377, MONDO:0014578, OMIM 616304.

Allele frequency attached by ClinVar (database versions not stated): gnomAD exomes below 0.00001.
gnomAD v4.1: 3 of 1,614,120 alleles (0.00019%); highest among the groups gnomAD compares: Non-Finnish European, 0.00025%; no homozygotes.

Submission:

Labcorp Genetics (formerly Invitae), Labcorp
Classification: Pathogenic for Cenani-Lenz syndactyly syndrome; Sclerosteosis 2; Congenital myasthenic syndrome 17. Last evaluated: 2021-01-15. Review status: criteria provided, single submitter. Criteria: Invitae Variant Classification Sherloc (09022015). Collection method: clinical testing. Allele origin: germline.
Comment: This sequence change creates a premature translational stop signal (p.Arg754*) in the LRP4 gene. It is expected to result in an absent or disrupted protein product. Loss-of-function variants in LRP4 are known to be pathogenic (PMID: 23636941, 24924585). This variant is not present in population databases (ExAC no frequency). This variant has not been reported in the literature in individuals with LRP4-related conditions. For these reasons, this variant has been classified as Pathogenic.

Literature cited by the submitters: PubMed 23636941; PubMed 24924585.

NM_002334.4(LRP4):c.2260C>T (p.Arg754Ter)

Gene: LRP4 (LDL receptor related protein 4; minus strand). Cytogenetic location: 11p11.2.
Variant type: single nucleotide variant.
Coding change: c.2260C>T on transcript NM_002334.4 (MANE Select); coding-DNA position 2260, C replaced by T.
Protein change: p.Arg754Ter; replaces arginine 754 with a stop codon.
Molecular consequence: nonsense.
Genome position (GRCh38, 1-based): chr11:46,886,489, G>A on the plus strand (C>T on the coding strand, the complement: LRP4 is on the minus strand). VCF-style: chr11-46886489-G-A. GRCh37 (hg19) VCF-style: chr11-46908040-G-A.
Other names: short protein forms R754*.
Identifiers: ClinVar variation 1393202 (VCV001393202.6), dbSNP rs1565790767, ClinGen allele CA380280970.